The following is an entry in ClinVar:

ClinVar aggregate classification (germline): Uncertain significance (1 of 4 stars; one submission).

Allele frequency attached by ClinVar (database versions not stated): gnomAD exomes below 0.00001 and 0.00001; TOPMed below 0.00001; ExAC 0.00001.
gnomAD v4.1: 3 of 1,614,240 alleles (0.00019%); highest among the groups gnomAD compares: Non-Finnish European, 0.00025%; no homozygotes.

Submission:

Labcorp Genetics (formerly Invitae), Labcorp
Classification: Uncertain significance. Last evaluated: 2025-02-20. Review status: criteria provided, single submitter. Criteria: Invitae Variant Classification Sherloc (09022015). Collection method: clinical testing. Allele origin: germline.
Comment: This sequence change replaces threonine, which is neutral and polar, with isoleucine, which is neutral and non-polar, at codon 235 of the DPYS protein (p.Thr235Ile). This variant is present in population databases (rs780444331, gnomAD 0.0009%). This variant has not been reported in the literature in individuals affected with DPYS-related conditions. ClinVar contains an entry for this variant (Variation ID: 1361629). Invitae Evidence Modeling of protein sequence and biophysical properties (such as structural, functional, and spatial information, amino acid conservation, physicochemical variation, residue mobility, and thermodynamic stability) indicates that this missense variant is not expected to disrupt DPYS protein function with a negative predictive value of 80%. In summary, the available evidence is currently insufficient to determine the role of this variant in disease. Therefore, it has been classified as a Variant of Uncertain Significance.

NM_001385.3(DPYS):c.704C>T (p.Thr235Ile)

Gene: DPYS (dihydropyrimidinase; minus strand). Cytogenetic location: 8q22.3.
Variant type: single nucleotide variant.
Coding change: c.704C>T on transcript NM_001385.3 (MANE Select); coding-DNA position 704, C replaced by T.
Protein change: p.Thr235Ile; replaces threonine 235 with isoleucine.
Molecular consequence: missense variant.
Genome position (GRCh38, 1-based): chr8:104,444,337, G>A on the plus strand (C>T on the coding strand, the complement: DPYS is on the minus strand). VCF-style: chr8-104444337-G-A. GRCh37 (hg19) VCF-style: chr8-105456565-G-A.
Other names: short protein forms T235I.
Identifiers: ClinVar variation 1361629 (VCV001361629.6), dbSNP rs780444331, ClinGen allele CA4838496.